The following is an entry in ClinVar:

NM_000552.5(VWF):c.55G>A (p.Gly19Arg)

Gene: VWF (von Willebrand factor; minus strand). Cytogenetic location: 12p13.31.
Variant type: single nucleotide variant.
Coding change: c.55G>A on transcript NM_000552.5 (MANE Select); coding-DNA position 55, G replaced by A.
Protein change: p.Gly19Arg; replaces glycine 19 with arginine.
Molecular consequence: missense variant.
Genome position (GRCh38, 1-based): chr12:6,123,142, C>T on the plus strand (G>A on the coding strand, the complement: VWF is on the minus strand). VCF-style: chr12-6123142-C-T. GRCh37 (hg19) VCF-style: chr12-6232308-C-T.
Other names: p.G19R; short protein forms G19R.
Identifiers: ClinVar variation 100432 (VCV000100432.7), dbSNP rs61753983, ClinGen allele CA228729.

ClinVar aggregate classification (germline): Conflicting classifications of pathogenicity. Review status: criteria provided, conflicting classifications (1 of 4 stars). 4 submissions from 4 submitters: Likely pathogenic (1); Uncertain significance (2). 1 of the submissions does not count toward it. Last evaluated 2026-05-13.

Conditions:
von Willebrand disease type 1 (VWD1). Also called: VON WILLEBRAND DISEASE, TYPE I; VWD, TYPE 1. Identifiers: Orphanet 166078, Orphanet 903, MedGen C1264039, MONDO:0008668, OMIM 193400. Inheritance: autosomal recessive or autosomal dominant.
von Willebrand disease type 3 (VWD3). Also called: Type 3 Von Willebrand's disease; Type 3 VWD; Von Willebrand disease, severe form; V WD3; VON WILLEBRAND DISEASE, TYPE III. Identifiers: Orphanet 166096, MedGen C1264041, MONDO:0010191, OMIM 277480.

Allele frequency attached by ClinVar (database versions not stated): TOPMed 0.00002; gnomAD 0.00005 and 0.00001; 1000 Genomes Project 30x 0.00016; gnomAD exomes 0.00007 and 0.00013; ExAC 0.00016; 1000 Genomes Project 0.00020.
gnomAD v4.1: 114 of 1,614,206 alleles (0.0071%); highest among the groups gnomAD compares: South Asian, 0.11%; no homozygotes.

Submissions (4):

Women's Health and Genetics/Laboratory Corporation of America, LabCorp
Classification: Uncertain significance. Last evaluated: 2026-05-13. Review status: criteria provided, single submitter. Criteria: LabCorp Variant Classification Summary - May 2015. Collection method: clinical testing. Allele origin: germline.
Comment: Variant summary: VWF c.55G>A (p.Gly19Arg) results in a non-conservative amino acid change located in the von Willebrand factor, type D domain (IPR001846) of the encoded protein sequence. Algorithms developed to predict the effect of missense changes on protein structure and function are either unavailable or do not agree on the potential impact of this missense change. Several computational tools predict a significant impact on normal splicing: Four predict the variant weakens the canonical 5' donor site and two also predict the variant creates a cryptic 3' acceptor site. However, these predictions have yet to be confirmed by functional studies. The variant allele was found at a frequency of 0.00013 in 251460 control chromosomes. This frequency is not significantly higher than estimated for disease-causing variants in VWF, allowing no conclusion about variant significance. c.55G>A has been observed in individuals affected with type 1 or type 3 Von Willebrand Disease (Goodeve_2006, Hashemi Soteh_2007, Ahmad_2014, Borras_2017). However, these reports do not provide unequivocal conclusions about association of the variant with Von Willebrand Disease. At least one publication reports experimental evidence evaluating an impact on protein function. These results showed no damaging effect of this variant (Eikenboom_2009). The following publications have been ascertained in the context of this evaluation (PMID: 24712919, 35446929, 28971901, 19566550, 23349392, 16985174, 21632843, 17488667). ClinVar contains an entry for this variant (Variation ID: 100432). Based on the evidence outlined above, the variant was classified as uncertain significance.

Neuberg Centre For Genomic Medicine, NCGM
Classification: Uncertain significance for von Willebrand disease type 3. Last evaluated: 2023-05-20. Review status: criteria provided, single submitter. Criteria: ACMG Guidelines, 2015. Collection method: clinical testing. Allele origin: germline. Inheritance: Autosomal recessive inheritance. Affected: yes.
Comment: The observed missense c.55G>A(p.Gly19Arg) variant in VWF gene has been reported previously in heterozygous / homozygous / compound heterozygous state in individual(s) affected with type 3 von Willebrand disease in a cohort of Indian patients (Ahmad et al., 2013) and type 1 von Willebrand disease (Hampshire DJ, Goodeve AC., 2011). This variant is reported with the allele frequency of 0.01% in the gnomAD Exomes. This variant has been reported to the ClinVar database as Likely Pathogenic. The amino acid Gly at position 19 is changed to a Arg changing protein sequence and it might alter its composition and physico-chemical properties. The amino acid change p.Gly19Arg in VWF is predicted as conserved by GERP++ and PhyloP across 100 vertebrates. Multiple lines of computational evidence (Polyphen - Possibly Damaging, SIFT - Damaging, and MutationTaster - Disease causing) predict a damaging effect on protein structure and function for this variant. The p.Gly19Arg mutation previously identified in type 1 VWD also fails to influence VWF expression in vitro but is predicted in silico to influence splicing of exon 2 (Hampshire DJ, Goodeve AC., 2011). For these reasons, this variant has been classified as Uncertain Significance.

Laboratory of Hematology, Radboud University Medical Center
Classification: Likely pathogenic for von Willebrand disease type 1. Last evaluated: 2020-12-10. Review status: criteria provided, single submitter. Criteria: ACMG Guidelines, 2015. Collection method: research. Allele origin: germline. Affected: yes. Observed: 3 variant alleles. Study: WIN study.

Academic Unit of Haematology, University of Sheffield
No classification provided. Review status: no classification provided. Collection method: not provided. Allele origin: not provided. Not counted in ClinVar's aggregate classification.

Literature cited by the submitters: PubMed 23349392 (cited by Women's Health and Genetics/Laboratory Corporation of America, LabCorp); PubMed 16985174 (cited by Women's Health and Genetics/Laboratory Corporation of America, LabCorp); PubMed 28971901 (cited by Women's Health and Genetics/Laboratory Corporation of America, LabCorp); PubMed 19566550 (cited by Women's Health and Genetics/Laboratory Corporation of America, LabCorp); PubMed 24712919 (cited by Women's Health and Genetics/Laboratory Corporation of America, LabCorp); PubMed 21632843 (cited by Women's Health and Genetics/Laboratory Corporation of America, LabCorp); PubMed 17488667 (cited by Women's Health and Genetics/Laboratory Corporation of America, LabCorp); PubMed 35446929 (cited by Women's Health and Genetics/Laboratory Corporation of America, LabCorp).